The following is an entry in ClinVar:

NM_001429.4(EP300):c.6912C>T (p.Ser2304=)

Gene: EP300 (EP300 lysine acetyltransferase; plus strand). Cytogenetic location: 22q13.2.
Variant type: single nucleotide variant.
Coding change: c.6912C>T on transcript NM_001429.4 (MANE Select); coding-DNA position 6912, C replaced by T.
Protein change: p.Ser2304=; no amino-acid change (serine 2304 retained).
Molecular consequence: synonymous variant.
Genome position (GRCh38, 1-based): chr22:41,178,623, C>T. VCF-style: chr22-41178623-C-T. GRCh37 (hg19) VCF-style: chr22-41574627-C-T.
Other names: c.6834C>T, p.Ser2278= (NM_001362843.2).
Identifiers: ClinVar variation 341827 (VCV000341827.20), dbSNP rs113329190, ClinGen allele CA10253974.

ClinVar aggregate classification (germline): Benign/Likely benign. Review status: criteria provided, multiple submitters, no conflicts (2 of 4 stars). 5 submissions from 5 submitters: Benign (1); Likely benign (3). 1 of the submissions does not count toward it. Last evaluated 2025-02-23.

Conditions:
Rubinstein-Taybi syndrome due to EP300 haploinsufficiency. Also called: EP300-Related Rubinstein-Taybi Syndrome; RUBINSTEIN-TAYBI SYNDROME 2. Identifiers: Orphanet 353284, Orphanet 783, MedGen C3150941, MONDO:0013364, OMIM 613684.
EP300-related disorder. Also called: EP300-related disorders; EP300-related condition.

Allele frequency attached by ClinVar (database versions not stated): gnomAD 0.00006 and 0.00007; gnomAD exomes 0.00015; TOPMed 0.00015; ExAC 0.00018.
gnomAD v4.1: 157 of 1,614,144 alleles (0.0097%); highest among the groups gnomAD compares: Admixed American, 0.012%; 1 homozygote.

Submissions (5):

Labcorp Genetics (formerly Invitae), Labcorp
Classification: Likely benign for Rubinstein-Taybi syndrome due to EP300 haploinsufficiency. Last evaluated: 2025-02-23. Review status: criteria provided, single submitter. Criteria: Invitae Variant Classification Sherloc (09022015). Collection method: clinical testing. Allele origin: germline.

Blueprint Genetics
Classification: Likely benign. Last evaluated: 2024-08-22. Review status: criteria provided, single submitter. Criteria: ACMG Guidelines, 2015. Collection method: clinical testing. Allele origin: germline.

GeneDx
Classification: Benign. Last evaluated: 2020-02-27. Review status: criteria provided, single submitter. Criteria: GeneDx Variant Classification Process June 2021. Collection method: clinical testing. Allele origin: germline. Affected: yes.

Breakthrough Genomics
Classification: Likely benign. Review status: criteria provided, single submitter. Criteria: ACMG Guidelines, 2015. Collection method: not provided. Allele origin: germline. Inheritance: Autosomal dominant inheritance. Affected: yes.

PreventionGenetics, part of Exact Sciences
Classification: Likely benign for EP300-related condition. Last evaluated: 2019-05-14. Review status: no assertion criteria provided. Collection method: clinical testing. Allele origin: germline. Not counted in ClinVar's aggregate classification.
Comment: This variant is classified as likely benign based on ACMG/AMP sequence variant interpretation guidelines (Richards et al. 2015 PMID: 25741868, with internal and published modifications).